The following is an entry in ClinVar:

ClinVar aggregate classification (germline): Uncertain significance (1 of 4 stars; one submission).

Allele frequency attached by ClinVar (database versions not stated): gnomAD exomes below 0.00001; TOPMed 0.00002; ESP Exome Variant Server 0.00008.
gnomAD v4.1: 2 of 1,613,620 alleles (0.00012%); highest among the groups gnomAD compares: Non-Finnish European, 0.00017%; no homozygotes.

Submission:

Labcorp Genetics (formerly Invitae), Labcorp
Classification: Uncertain significance. Last evaluated: 2023-12-07. Review status: criteria provided, single submitter. Criteria: Invitae Variant Classification Sherloc (09022015). Collection method: clinical testing. Allele origin: germline.
Comment: This sequence change replaces serine, which is neutral and polar, with proline, which is neutral and non-polar, at codon 230 of the DTNBP1 protein (p.Ser230Pro). This variant is not present in population databases (gnomAD no frequency). This variant has not been reported in the literature in individuals affected with DTNBP1-related conditions. ClinVar contains an entry for this variant (Variation ID: 2063940). Advanced modeling of protein sequence and biophysical properties (such as structural, functional, and spatial information, amino acid conservation, physicochemical variation, residue mobility, and thermodynamic stability) performed at Invitae indicates that this missense variant is expected to disrupt DTNBP1 protein function with a positive predictive value of 80%. In summary, the available evidence is currently insufficient to determine the role of this variant in disease. Therefore, it has been classified as a Variant of Uncertain Significance.

NM_032122.5(DTNBP1):c.688T>C (p.Ser230Pro)

Gene: DTNBP1 (dystrobrevin binding protein 1; minus strand). Cytogenetic location: 6p22.3.
Variant type: single nucleotide variant.
Coding change: c.688T>C on transcript NM_032122.5 (MANE Select); coding-DNA position 688, T replaced by C.
Protein change: p.Ser230Pro; replaces serine 230 with proline.
Molecular consequence: missense variant. On other transcripts: non-coding transcript variant (1).
Genome position (GRCh38, 1-based): chr6:15,524,649, A>G on the plus strand (T>C on the coding strand, the complement: DTNBP1 is on the minus strand). VCF-style: chr6-15524649-A-G. GRCh37 (hg19) VCF-style: chr6-15524880-A-G.
Other names: c.445T>C, p.Ser149Pro (NM_001271667.2, NM_183041.1); c.637T>C, p.Ser213Pro (NM_001271668.2); c.583T>C, p.Ser195Pro (NM_001271669.2); c.688T>C, p.Ser230Pro (NM_183040.2); short protein forms S149P, S213P, S195P, S230P.
Identifiers: ClinVar variation 2063940 (VCV002063940.4), dbSNP rs142075419, ClinGen allele CA134846187.